The following is an entry in ClinVar:

NM_000051.4(ATM):c.2522A>C (p.Asp841Ala)

Gene: ATM (ATM serine/threonine kinase; plus strand). Cytogenetic location: 11q22.3.
Variant type: single nucleotide variant.
Coding change: c.2522A>C on transcript NM_000051.4 (MANE Select); coding-DNA position 2522, A replaced by C.
Protein change: p.Asp841Ala; replaces aspartic acid 841 with alanine.
Molecular consequence: missense variant.
Genome position (GRCh38, 1-based): chr11:108,267,226, A>C. VCF-style: chr11-108267226-A-C. GRCh37 (hg19) VCF-style: chr11-108137953-A-C.
Other names: c.2522A>C, p.Asp841Ala (NM_001351834.2); short protein forms D841A.
Identifiers: ClinVar variation 184552 (VCV000184552.55), dbSNP rs587781812, ClinGen allele CA189280.

ClinVar aggregate classification (germline): Conflicting classifications of pathogenicity. Review status: criteria provided, conflicting classifications (1 of 4 stars). 14 submissions from 14 submitters: Uncertain significance (5); Likely benign (9). Last evaluated 2026-01-11.

Conditions:
Breast and/or ovarian cancer. Identifiers: MedGen CN221562.
Hereditary cancer-predisposing syndrome. Also called: Tumor predisposition; Neoplastic Syndromes, Hereditary; Hereditary Cancer Syndrome; Hereditary neoplastic syndrome. Identifiers: Orphanet 140162, MedGen C0027672, MeSH D009386, MONDO:0015356.
Ataxia-telangiectasia syndrome (AT). Also called: LOUIS-BAR SYNDROME; Ataxia-telangiectasia, complementation group D; Ataxia telangiectasia (A-T); AT, COMPLEMENTATION GROUP C; ATAXIA-TELANGIECTASIA, COMPLEMENTATION GROUP A; ATAXIA-TELANGIECTASIA, FRESNO VARIANT. Identifiers: Orphanet 100, MedGen C0004135, MONDO:0008840, OMIM 208900.
Familial cancer of breast. Also called: hereditary breast carcinoma; BREAST CANCER, FAMILIAL; Hereditary breast cancer. Identifiers: Orphanet 227535, MedGen C0346153, MONDO:0016419, OMIM 114480. Disease mechanism: loss of function.

Allele frequency attached by ClinVar (database versions not stated): gnomAD 0.00001; gnomAD exomes 0.00017; ExAC 0.00026.
gnomAD v4.1: 127 of 1,614,172 alleles (0.0079%); highest among the groups gnomAD compares: South Asian, 0.14%; 3 homozygotes.

Submissions (14):

Labcorp Genetics (formerly Invitae), Labcorp
Classification: Likely benign for Ataxia-telangiectasia syndrome. Last evaluated: 2026-01-11. Review status: criteria provided, single submitter. Criteria: Invitae Variant Classification Sherloc (09022015). Collection method: clinical testing. Allele origin: germline.

GeneDx
Classification: Uncertain significance. Last evaluated: 2023-12-04. Review status: criteria provided, single submitter. Criteria: GeneDx Variant Classification Process June 2021. Collection method: clinical testing. Allele origin: germline. Affected: yes.
Comment: In silico analysis supports that this missense variant has a deleterious effect on protein structure/function; This variant is associated with the following publications: (PMID: 26689913, 26911350, 29470806, 33552952, 34326862)

Blueprint Genetics
Classification: Likely benign. Last evaluated: 2023-09-12. Review status: criteria provided, single submitter. Criteria: ACMG Guidelines, 2015. Collection method: clinical testing. Allele origin: germline.

CeGaT Center for Human Genetics Tuebingen
Classification: Likely benign. Last evaluated: 2022-12-01. Review status: criteria provided, single submitter. Criteria: CeGaT Center For Human Genetics Tuebingen Variant Classification Criteria Version 2. Collection method: clinical testing. Allele origin: germline. Affected: yes. Observed: 1 variant allele.
Comment: ATM: BP4

CHEO Genetics Diagnostic Laboratory, Children's Hospital of Eastern Ontario
Classification: Uncertain significance for Breast and/or ovarian cancer. Last evaluated: 2022-09-16. Review status: criteria provided, single submitter. Criteria: ACMG Guidelines, 2015. Collection method: clinical testing. Allele origin: germline.

Department of Pathology and Laboratory Medicine, Sinai Health System
Classification: Uncertain significance for Familial cancer of breast. Last evaluated: 2022-03-28. Review status: criteria provided, single submitter. Criteria: ACMG Guidelines, 2015. Collection method: clinical testing. Allele origin: germline. Affected: yes.

Sema4
Classification: Likely benign for Hereditary cancer-predisposing syndrome. Last evaluated: 2022-01-12. Review status: criteria provided, single submitter. Criteria: Sema4 Curation Guidelines. Collection method: curation. Allele origin: germline.

Color Diagnostics, LLC DBA Color Health
Classification: Likely benign for Hereditary cancer-predisposing syndrome. Last evaluated: 2021-06-29. Review status: criteria provided, single submitter. Criteria: ACMG Guidelines, 2015. Collection method: clinical testing. Allele origin: germline.

Ambry Genetics
Classification: Likely benign for Hereditary cancer-predisposing syndrome. Last evaluated: 2021-04-05. Review status: criteria provided, single submitter. Criteria: Ambry Variant Classification Scheme 2023. Collection method: clinical testing. Allele origin: germline.

Athena Diagnostics
Classification: Likely benign. Last evaluated: 2018-10-29. Review status: criteria provided, single submitter. Criteria: Athena Diagnostics Criteria. Collection method: clinical testing. Allele origin: germline.

Quest Diagnostics Nichols Institute San Juan Capistrano
Classification: Likely benign. Last evaluated: 2018-10-29. Review status: criteria provided, single submitter. Criteria: Quest Diagnostics criteria. Collection method: clinical testing. Allele origin: unknown.

PreventionGenetics, part of Exact Sciences
Classification: Likely benign. Last evaluated: 2017-11-10. Review status: criteria provided, single submitter. Criteria: ACMG Guidelines, 2015. Collection method: clinical testing. Allele origin: germline.

Fulgent Genetics
Classification: Uncertain significance for Familial cancer of breast; Ataxia-telangiectasia syndrome. Last evaluated: 2017-05-23. Review status: criteria provided, single submitter. Criteria: ACMG Guidelines, 2015. Collection method: clinical testing. Allele origin: unknown.

Women's Health and Genetics/Laboratory Corporation of America, LabCorp
Classification: Uncertain significance. Last evaluated: 2016-09-30. Review status: criteria provided, single submitter. Criteria: LabCorp Variant Classification Summary - May 2015. Collection method: clinical testing. Allele origin: germline.
Comment: Variant summary: The ATM c.2522A>C (p.Asp841Ala) variant involves the alteration of a conserved nucleotide. 2/4 in silico tools predict a benign outcome for this variant. This variant is not located in any known domain (InterPro). This variant was found in 31/121120 control chromosomes (1 homozygote), predominantly observed in the South Asian subpopulation at a frequency of 0.0018845 (31/16450). This frequency is about 1.9 times the estimated maximal expected allele frequency of a pathogenic ATM variant (0.0010005), suggesting this is possibly a benign polymorphism found primarily in the populations of South Asian origin. This variant has also been reported in two patients with breast or ovarian cancer without strong evidence for pathogenicity (i.e. co-segregation). In addition, multiple clinical diagnostic laboratories have classified this variant as uncertain significance. Taken together, this variant is currently classified as Variant of Uncertain Significance Possibly Benign.

Literature cited by the submitters: PubMed 26911350 (cited by 5 submitters); PubMed 26689913 (cited by 3 submitters); PubMed 34326862 (cited by Quest Diagnostics Nichols Institute San Juan Capistrano); PubMed 29470806 (cited by Quest Diagnostics Nichols Institute San Juan Capistrano); PubMed 33552952 (cited by Quest Diagnostics Nichols Institute San Juan Capistrano).